The following is an entry in ClinVar:

NM_002618.4(PEX13):c.229T>A (p.Ser77Thr)

Gene: PEX13 (peroxisomal biogenesis factor 13; plus strand). Cytogenetic location: 2p15.
Variant type: single nucleotide variant.
Coding change: c.229T>A on transcript NM_002618.4 (MANE Select); coding-DNA position 229, T replaced by A.
Protein change: p.Ser77Thr; replaces serine 77 with threonine.
Molecular consequence: missense variant.
Genome position (GRCh38, 1-based): chr2:61,031,555, T>A. VCF-style: chr2-61031555-T-A. GRCh37 (hg19) VCF-style: chr2-61258690-T-A.
Other names: p.Ser77Thr; short protein forms S77T.
Identifiers: ClinVar variation 195174 (VCV000195174.20), dbSNP rs150161574, ClinGen allele CA241469.

ClinVar aggregate classification (germline): Conflicting classifications of pathogenicity. Review status: criteria provided, conflicting classifications (1 of 4 stars). 6 submissions from 6 submitters: Uncertain significance (1); Benign (1); Likely benign (3). 1 of the submissions does not count toward it. Last evaluated 2026-01-13.

Conditions:
PEX13-related disorder. Also called: PEX13-related disorders; PEX13-related condition.
Peroxisome biogenesis disorder 11A (Zellweger). Also called: Peroxisome biogenesis disorder 11A. Identifiers: Orphanet 912, MedGen C3554000, MONDO:0013949, OMIM 614883.

Allele frequency attached by ClinVar (database versions not stated): gnomAD exomes 0.00007 and 0.00023; 1000 Genomes Project 30x 0.00016; 1000 Genomes Project 0.00020; ExAC 0.00031; gnomAD 0.00089 and 0.00096; TOPMed 0.00098; ESP Exome Variant Server 0.00146.
gnomAD v4.1: 240 of 1,614,200 alleles (0.015%); highest among the groups gnomAD compares: African/African-American, 0.28%; no homozygotes.

Submissions (6):

Labcorp Genetics (formerly Invitae), Labcorp
Classification: Likely benign for Peroxisome biogenesis disorder 11A (Zellweger). Last evaluated: 2026-01-13. Review status: criteria provided, single submitter. Criteria: Invitae Variant Classification Sherloc (09022015). Collection method: clinical testing. Allele origin: germline.

Blueprint Genetics
Classification: Likely benign. Last evaluated: 2024-11-13. Review status: criteria provided, single submitter. Criteria: ACMG Guidelines, 2015. Collection method: clinical testing. Allele origin: germline.

Mayo Clinic Laboratories, Mayo Clinic
Classification: Uncertain significance. Last evaluated: 2023-05-18. Review status: criteria provided, single submitter. Criteria: ACMG Guidelines, 2015. Collection method: clinical testing. Allele origin: germline. Observed: 1 variant allele.
Comment: BS1

Eurofins Ntd Llc (ga)
Classification: Benign. Last evaluated: 2015-10-12. Review status: criteria provided, single submitter. Criteria: EGL Classification Definitions 2015. Collection method: clinical testing. Allele origin: germline. Observed: 2 variant alleles, 2 heterozygotes.

Breakthrough Genomics
Classification: Likely benign. Review status: criteria provided, single submitter. Criteria: ACMG Guidelines, 2015. Collection method: not provided. Allele origin: germline. Inheritance: Autosomal recessive inheritance. Affected: yes.

PreventionGenetics, part of Exact Sciences
Classification: Likely benign for PEX13-related condition. Last evaluated: 2022-02-08. Review status: no assertion criteria provided. Collection method: clinical testing. Allele origin: germline. Not counted in ClinVar's aggregate classification.
Comment: This variant is classified as likely benign based on ACMG/AMP sequence variant interpretation guidelines (Richards et al. 2015 PMID: 25741868, with internal and published modifications).